The following is an entry in ClinVar:

ClinVar aggregate classification (germline): Conflicting classifications of pathogenicity. Review status: criteria provided, conflicting classifications (1 of 4 stars). 11 submissions from 11 submitters: Pathogenic (1); Likely pathogenic (3); Uncertain significance (6). 1 of the submissions does not count toward it. Last evaluated 2026-09-27.

Conditions:
SLC39A8-related disorder. Also called: SLC39A8-related condition.
SLC39A8-CDG. Also called: CONGENITAL DISORDER OF GLYCOSYLATION, TYPE IIn; CDG IIn; SLC39A8 deficiency. Identifiers: Orphanet 468699, MedGen C4225234, MONDO:0014746, OMIM 616721.

Allele frequency attached by ClinVar (database versions not stated): TOPMed 0.00008; gnomAD 0.00005; gnomAD exomes 0.00005 and 0.00006; ExAC 0.00007.

Submissions (11):

GeneDx
Classification: Likely pathogenic. Last evaluated: 2026-09-27. Review status: criteria provided, single submitter. Criteria: GeneDx Variant Classification Process June 2021. Collection method: clinical testing. Allele origin: germline.
Comment: Published functional studies suggest a damaging effect (PMID: 29453449); In silico analysis supports that this missense variant has a deleterious effect on protein structure/function; Not observed at significant frequency in large population cohorts (gnomAD); This variant is associated with the following publications: (PMID: 41178719, 28557351, 30090406, 28749473, 32753748, 34768831, 37163821, 37627237, 39884836, 26637979, 38041506, 39924855, 29453449, 37575640, 40964328, 40559995)

Dasa
Classification: Uncertain significance. Last evaluated: 2026-03-19. Review status: criteria provided, single submitter. Criteria: DASA Assertion Criteria. Collection method: clinical testing. Allele origin: germline.
Comment: NM_001135146.2(SLC39A8):c.610G>T (p.Gly204Cys) is a missense variant that results in the substitution of glycine with cysteine. This variant has been reported in individuals with SLC39A8-related disorders (PMID: 26637979). Functional evidence supports an impact on the gene or gene product (PMID: 26637979). Also, this variant is rare in population databases. The currently available literature and clinical evidence are not sufficient to establish a definitive association between this variant and the reported condition. Therefore, this variant is classified as a variant of uncertain significance.

Blueprint Genetics
Classification: Likely pathogenic for SLC39A8-related disorders. Last evaluated: 2024-05-23. Review status: criteria provided, single submitter. Criteria: ACMG Guidelines, 2015. Collection method: clinical testing. Allele origin: germline. Affected: yes. Observed: 5 variant alleles.

Greenwood Genetic Center Diagnostic Laboratories, Greenwood Genetic Center
Classification: Uncertain significance. Last evaluated: 2024-04-26. Review status: criteria provided, single submitter. Criteria: ACMG Guidelines, 2015. Collection method: clinical testing. Allele origin: germline. Affected: yes.
Comment: PS3_Supporting, PM2

Labcorp Genetics (formerly Invitae), Labcorp
Classification: Uncertain significance. Last evaluated: 2024-02-24. Review status: criteria provided, single submitter. Criteria: Invitae Variant Classification Sherloc (09022015). Collection method: clinical testing. Allele origin: germline.
Comment: This sequence change replaces glycine, which is neutral and non-polar, with cysteine, which is neutral and slightly polar, at codon 204 of the SLC39A8 protein (p.Gly204Cys). This variant is present in population databases (rs779241085, gnomAD 0.01%). This missense change has been observed in individual(s) with SLC39A8-congenital disorder of glycosylation (PMID: 26637979). ClinVar contains an entry for this variant (Variation ID: 218897). Advanced modeling of protein sequence and biophysical properties (such as structural, functional, and spatial information, amino acid conservation, physicochemical variation, residue mobility, and thermodynamic stability) performed at Invitae indicates that this missense variant is not expected to disrupt SLC39A8 protein function with a negative predictive value of 80%. Experimental studies have shown that this missense change affects SLC39A8 function (PMID: 34768831). In summary, the available evidence is currently insufficient to determine the role of this variant in disease. Therefore, it has been classified as a Variant of Uncertain Significance.

Women's Health and Genetics/Laboratory Corporation of America, LabCorp
Classification: Uncertain significance. Last evaluated: 2023-03-28. Review status: criteria provided, single submitter. Criteria: LabCorp Variant Classification Summary - May 2015. Collection method: clinical testing. Allele origin: germline.
Comment: Variant summary: SLC39A8 c.610G>T (p.Gly204Cys) results in a non-conservative amino acid change in the encoded protein sequence, altering a highly conserved residue. Three of five in-silico tools predict a damaging effect of the variant on protein function. The variant allele was found at a frequency of 6.4e-05 in 249194 control chromosomes (gnomAD). c.610G>T has been reported in the literature in a compound heterozygous individual who was affected with manganese transport- and glycosylation defects, where manganese supplementation resulted in clinical improvement (Park_2015, Park_2018). These data do not allow clear conclusions about variant significance. A recent study reported that the variant in isolation resulted in reduced selenium transport (Liang_2021), similarly to other tested SLC39A8 variants (including the missense reported in trans Park_2015). Seven submitters have provided clinical-significance assessments for this variant to ClinVar after 2014, and classified it as uncertain significance (n=4) or pathogenic/likely pathogenic (n=3). Based on the evidence outlined above, the variant was classified as VUS-possibly pathogenic.

Mendelics
Classification: Pathogenic for SLC39A8-CDG. Last evaluated: 2022-05-04. Review status: criteria provided, single submitter. Criteria: Mendelics Assertion Criteria 2019. Collection method: clinical testing. Allele origin: germline.

AiLife Diagnostics
Classification: Uncertain significance. Last evaluated: 2021-07-02. Review status: criteria provided, single submitter. Criteria: ACMG Guidelines, 2015. Collection method: clinical testing. Allele origin: germline. Affected: yes. Observed: 1 variant allele.

Eurofins Ntd Llc (ga)
Classification: Uncertain significance. Last evaluated: 2018-06-26. Review status: criteria provided, single submitter. Criteria: EGL ClinVar v180209 classification definitions. Collection method: clinical testing. Allele origin: germline. Observed: 1 variant allele, 1 heterozygote.

CeGaT Center for Human Genetics Tuebingen
Classification: Likely pathogenic. Last evaluated: 2016-09-01. Review status: criteria provided, single submitter. Criteria: CeGaT Center For Human Genetics Tuebingen Variant Classification Criteria Version 2. Collection method: clinical testing. Allele origin: germline. Affected: yes. Observed: 1 variant allele.

OMIM
Classification: Pathogenic for CONGENITAL DISORDER OF GLYCOSYLATION, TYPE IIn. Last evaluated: 2015-12-03. Review status: no assertion criteria provided. Collection method: literature only. Allele origin: germline. Not counted in ClinVar's aggregate classification.

Literature cited by the submitters: PubMed 26637979 (cited by 5 submitters); PubMed 34768831 (cited by 3 submitters); PubMed 29453449 (cited by 3 submitters); PubMed 28749473 (cited by Dasa and Women's Health and Genetics/Laboratory Corporation of America, LabCorp); PubMed 32753748 (cited by Women's Health and Genetics/Laboratory Corporation of America, LabCorp).

NM_001135146.2(SLC39A8):c.610G>T (p.Gly204Cys)

Gene: SLC39A8 (solute carrier family 39 member 8; minus strand). Cytogenetic location: 4q24.
Variant type: single nucleotide variant.
Coding change: c.610G>T on transcript NM_001135146.2 (MANE Select); coding-DNA position 610, G replaced by T.
Protein change: p.Gly204Cys; replaces glycine 204 with cysteine.
Molecular consequence: missense variant.
Genome position (GRCh38, 1-based): chr4:102,305,054, C>A on the plus strand (G>T on the coding strand, the complement: SLC39A8 is on the minus strand). VCF-style: chr4-102305054-C-A. GRCh37 (hg19) VCF-style: chr4-103226211-C-A.
Other names: c.610G>T, p.Gly204Cys (NM_001135147.1, NM_022154.5); c.409G>T, p.Gly137Cys (NM_001135148.2); short protein forms G204C, G137C.
Identifiers: ClinVar variation 218897 (VCV000218897.63), dbSNP rs779241085, ClinGen allele CA249426.